The following is an entry in ClinVar:

NM_001283009.2(RTEL1):c.2414G>C (p.Gly805Ala)

Genes: RTEL1 (regulator of telomere elongation helicase 1; plus strand), RTEL1-TNFRSF6B (RTEL1-TNFRSF6B readthrough (NMD candidate); plus strand). Cytogenetic location: 20q13.33.
Variant type: single nucleotide variant.
Coding change: c.2414G>C on transcript NM_001283009.2 (MANE Select); coding-DNA position 2414, G replaced by C.
Protein change: p.Gly805Ala; replaces glycine 805 with alanine.
Molecular consequence: missense variant. On other transcripts: non-coding transcript variant (1).
Genome position (GRCh38, 1-based): chr20:63,690,805, G>C. VCF-style: chr20-63690805-G-C. GRCh37 (hg19) VCF-style: chr20-62322158-G-C.
Other names: c.1745G>C, p.Gly582Ala (NM_001283010.1); c.2414G>C, p.Gly805Ala (NM_016434.4); c.2486G>C, p.Gly829Ala (NM_032957.5); short protein forms G829A, G582A, G805A.
Identifiers: ClinVar variation 4629626 (VCV004629626.1).
Genomic context (GRCh38, chr20:63,690,805, plus strand): 5'-GGCAGGGACCCCAGCTGGGGCCCCCCGTGGGCTTCACTGCGCACTCGGGTGCCCCTGCAG[G>C]GTCACCAGCTGCCGGGGACCCCGAGAGTAGCCTGTGTGTGGAGTATGAGCAGGAGCCAGT-3'
Protein context (NP_001269938.1, residues 795-815): HVPSLKQRSS[Gly805Ala]SPAAGDPESS

ClinVar aggregate classification (germline): Uncertain significance (1 of 4 stars; one submission).

Conditions:
Inborn genetic diseases. Identifiers: MedGen C0950123, MeSH D030342.

Submission:

Ambry Genetics
Classification: Uncertain significance for Inborn genetic diseases. Last evaluated: 2025-11-25. Review status: criteria provided, single submitter. Criteria: Ambry Variant Classification Scheme 2023. Collection method: clinical testing. Allele origin: germline.
Comment: The p.G805A variant (also known as c.2414G>C) is located in coding exon 26 of the RTEL1 gene. The glycine at codon 805 is replaced by alanine, an amino acid with similar properties. This change occurs in the first base pair of coding exon 26. This amino acid position is conserved. In addition, this alteration is predicted to be tolerated by in silico analysis. Based on the available evidence, the clinical significance of this variant remains unclear.